The following is an entry in ClinVar:

NM_017534.6(MYH2):c.1646C>A (p.Thr549Asn)

Genes: MYH2 (myosin heavy chain 2; minus strand), MYHAS (myosin heavy chain gene cluster antisense RNA; plus strand). Cytogenetic location: 17p13.1.
Variant type: single nucleotide variant.
Coding change: c.1646C>A on transcript NM_017534.6 (MANE Select); coding-DNA position 1646, C replaced by A.
Protein change: p.Thr549Asn; replaces threonine 549 with asparagine.
Molecular consequence: missense variant.
Genome position (GRCh38, 1-based): chr17:10,537,484, G>T on the plus strand (C>A on the coding strand, the complement: MYH2 is on the minus strand). VCF-style: chr17-10537484-G-T. GRCh37 (hg19) VCF-style: chr17-10440801-G-T.
Other names: c.1646C>A, p.Thr549Asn (NM_001100112.2); c.1646C>A (NM_017534.5); short protein forms T549N.
Identifiers: ClinVar variation 1062570 (VCV001062570.6), dbSNP rs1160867842, ClinGen allele CA398156148.

ClinVar aggregate classification (germline): Uncertain significance. Review status: criteria provided, multiple submitters, no conflicts (2 of 4 stars). 2 submissions from 2 submitters: Uncertain significance (2). Last evaluated 2026-01-21.

Conditions:
Myopathy, proximal, and ophthalmoplegia (CMYO6). Also called: INCLUSION BODY MYOPATHY 3, AUTOSOMAL DOMINANT; CONGENITAL MYOPATHY 6 WITH OPHTHALMOPLEGIA; MYOPATHY WITH CONGENITAL JOINT CONTRACTURES, OPHTHALMOPLEGIA, AND RIMMED VACUOLES. Identifiers: Orphanet 363677, Orphanet 79091, MedGen C1854106, MONDO:0011577, OMIM 605637.

Allele frequency attached by ClinVar (database versions not stated): TOPMed below 0.00001.

Submissions (2):

GeneDx
Classification: Uncertain significance. Last evaluated: 2026-01-21. Review status: criteria provided, single submitter. Criteria: GeneDx Variant Classification Process June 2021. Collection method: clinical testing. Allele origin: germline.
Comment: Not observed at significant frequency in large population cohorts (gnomAD); In silico analysis suggests that this missense variant does not alter protein structure/function; Has not been previously published as pathogenic or benign to our knowledge

Labcorp Genetics (formerly Invitae), Labcorp
Classification: Uncertain significance for Myopathy, proximal, and ophthalmoplegia. Last evaluated: 2023-08-11. Review status: criteria provided, single submitter. Criteria: Invitae Variant Classification Sherloc (09022015). Collection method: clinical testing. Allele origin: germline.
Comment: In summary, the available evidence is currently insufficient to determine the role of this variant in disease. Therefore, it has been classified as a Variant of Uncertain Significance. Advanced modeling of protein sequence and biophysical properties (such as structural, functional, and spatial information, amino acid conservation, physicochemical variation, residue mobility, and thermodynamic stability) performed at Invitae indicates that this missense variant is not expected to disrupt MYH2 protein function. ClinVar contains an entry for this variant (Variation ID: 1062570). This variant has not been reported in the literature in individuals affected with MYH2-related conditions. This variant is present in population databases (no rsID available, gnomAD 0.0009%). This sequence change replaces threonine, which is neutral and polar, with asparagine, which is neutral and polar, at codon 549 of the MYH2 protein (p.Thr549Asn).